The following is an entry in ClinVar:

ClinVar aggregate classification (germline): Uncertain significance. Review status: criteria provided, multiple submitters, no conflicts (2 of 4 stars). 3 submissions from 3 submitters: Uncertain significance (3). Last evaluated 2025-05-17.

Conditions:
Acrocallosal syndrome (ACLS). Also called: HALLUX DUPLICATION, POSTAXIAL POLYDACTYLY, AND ABSENCE OF CORPUS CALLOSUM; Schinzel syndrome 1; Absence of corpus callosum with unusual facial appearance, mental deficiency, duplication of the halluces and polydactyly. Identifiers: Orphanet 36, MedGen C0796147, MONDO:0008708, OMIM 200990.
Hydrolethalus syndrome 2 (HLS2). Identifiers: Orphanet 2189, MedGen C3279899, MONDO:0013585, OMIM 614120.
Multiple epiphyseal dysplasia, Al-Gazali type. Also called: Macrocephaly with multiple epiphyseal dysplasia and distinctive facies. Identifiers: Orphanet 166024, MedGen C1846722, MONDO:0011778, OMIM 607131.
Inborn genetic diseases. Identifiers: MedGen C0950123, MeSH D030342.

Allele frequency attached by ClinVar (database versions not stated): gnomAD 0.00002; gnomAD exomes 0.00002 and 0.00004; TOPMed 0.00002; ExAC 0.00003; ESP Exome Variant Server 0.00008.
gnomAD v4.1: 37 of 1,610,172 alleles (0.0023%); highest among the groups gnomAD compares: Non-Finnish European, 0.0025%; no homozygotes.

Submissions (4):

Ambry Genetics
Classification: Uncertain significance for Inborn genetic diseases. Last evaluated: 2025-05-17. Review status: criteria provided, single submitter. Criteria: Ambry Variant Classification Scheme 2023. Collection method: clinical testing. Allele origin: germline.

Labcorp Genetics (formerly Invitae), Labcorp
Classification: Uncertain significance for Acrocallosal syndrome. Last evaluated: 2022-07-05. Review status: criteria provided, single submitter. Criteria: Invitae Variant Classification Sherloc (09022015). Collection method: clinical testing. Allele origin: germline.
Comment: This sequence change replaces arginine, which is basic and polar, with tryptophan, which is neutral and slightly polar, at codon 841 of the KIF7 protein (p.Arg841Trp). This variant is present in population databases (rs147040400, gnomAD 0.05%). This variant has not been reported in the literature in individuals affected with KIF7-related conditions. ClinVar contains an entry for this variant (Variation ID: 1426545). Algorithms developed to predict the effect of missense changes on protein structure and function (SIFT, PolyPhen-2, Align-GVGD) all suggest that this variant is likely to be disruptive. Algorithms developed to predict the effect of sequence changes on RNA splicing suggest that this variant may create or strengthen a splice site. In summary, the available evidence is currently insufficient to determine the role of this variant in disease. Therefore, it has been classified as a Variant of Uncertain Significance.

Department of Pathology and Laboratory Medicine, Sinai Health System
Classification: Uncertain significance for Acrocallosal syndrome; Multiple epiphyseal dysplasia, Al-Gazali type; Hydrolethalus syndrome 2. Last evaluated: 2021-07-30. Review status: criteria provided, single submitter. Criteria: ACMG Guidelines, 2015. Collection method: research. Allele origin: germline.

Dr. Peter K. Rogan Lab, Western University
No classification provided (evidence only). Condition: Ovarian serous cystadenocarcinoma. Review status: no classification provided. Collection method: in vitro. Allele origin: not applicable. Functional consequence: retained intron. Not counted in ClinVar's aggregate classification.

NM_198525.3(KIF7):c.2521C>T (p.Arg841Trp)

Gene: KIF7 (kinesin family member 7; minus strand). Cytogenetic location: 15q26.1.
Variant type: single nucleotide variant.
Coding change: c.2521C>T on transcript NM_198525.3 (MANE Select); coding-DNA position 2521, C replaced by T.
Protein change: p.Arg841Trp; replaces arginine 841 with tryptophan.
Molecular consequence: missense variant.
Genome position (GRCh38, 1-based): chr15:89,633,757, G>A on the plus strand (C>T on the coding strand, the complement: KIF7 is on the minus strand). VCF-style: chr15-89633757-G-A. GRCh37 (hg19) VCF-style: chr15-90176988-G-A.
Other names: c.2521C>T (NM_198525.2); short protein forms R841W.
Identifiers: ClinVar variation 1426545 (VCV001426545.8), dbSNP rs147040400, ClinGen allele CA7728120.
Genomic context (GRCh38, chr15:89,633,757, plus strand): 5'-GCTGCCGCTTGCTCATTTCTGCCTCCAGGCGCCGCTTCTGCTCCGTCTCCTCGCGAAGCC[G>A]CCTCTGCAGCTGTCCCTGCTGCTGCCGCATGAGCTGCACGTTCCGCTCGAGCTCCTGCAG-3'
Protein context (NP_940927.2, residues 831-851): MRQQQGQLQR[Arg841Trp]LREETEQKRR